The following is an entry in ClinVar:

ClinVar aggregate classification (germline): Uncertain significance. Review status: criteria provided, multiple submitters, no conflicts (2 of 4 stars). 2 submissions from 2 submitters: Uncertain significance (2). Last evaluated 2024-11-14.

Conditions:
Peutz-Jeghers syndrome (PJS). Also called: POLYPOSIS, HAMARTOMATOUS INTESTINAL; POLYPS-AND-SPOTS SYNDROME; Peutz-Jeghers polyposis; Periorificial lentiginosis syndrome. Identifiers: Orphanet 2869, MedGen C0031269, MeSH D010580, MONDO:0008280, OMIM 175200.
Hereditary cancer-predisposing syndrome. Also called: Neoplastic Syndromes, Hereditary; Hereditary Cancer Syndrome; Hereditary neoplastic syndrome; Tumor predisposition. Identifiers: Orphanet 140162, MedGen C0027672, MeSH D009386, MONDO:0015356.

Allele frequency attached by ClinVar (database versions not stated): gnomAD exomes below 0.00001; TOPMed below 0.00001.
gnomAD v4.1: 1 of 1,566,672 alleles (0.000064%); highest among the groups gnomAD compares: Non-Finnish European, 0.000086%; no homozygotes.

Submissions (2):

Ambry Genetics
Classification: Uncertain significance for Hereditary cancer-predisposing syndrome. Last evaluated: 2024-11-14. Review status: criteria provided, single submitter. Criteria: Ambry Variant Classification Scheme 2023. Collection method: clinical testing. Allele origin: germline.

Labcorp Genetics (formerly Invitae), Labcorp
Classification: Uncertain significance for Peutz-Jeghers syndrome. Last evaluated: 2022-12-26. Review status: criteria provided, single submitter. Criteria: Invitae Variant Classification Sherloc (09022015). Collection method: clinical testing. Allele origin: germline.
Comment: This sequence change replaces alanine, which is neutral and non-polar, with aspartic acid, which is acidic and polar, at codon 417 of the STK11 protein (p.Ala417Asp). This variant is not present in population databases (gnomAD no frequency). This variant has not been reported in the literature in individuals affected with STK11-related conditions. Advanced modeling of protein sequence and biophysical properties (such as structural, functional, and spatial information, amino acid conservation, physicochemical variation, residue mobility, and thermodynamic stability) performed at Invitae indicates that this missense variant is not expected to disrupt STK11 protein function. In summary, the available evidence is currently insufficient to determine the role of this variant in disease. Therefore, it has been classified as a Variant of Uncertain Significance.

NM_000455.5(STK11):c.1250C>A (p.Ala417Asp)

Gene: STK11 (serine/threonine kinase 11; plus strand). Cytogenetic location: 19p13.3.
Variant type: single nucleotide variant.
Coding change: c.1250C>A on transcript NM_000455.5 (MANE Select); coding-DNA position 1250, C replaced by A.
Protein change: p.Ala417Asp; replaces alanine 417 with aspartic acid.
Molecular consequence: missense variant. On other transcripts: non-coding transcript variant (1).
Genome position (GRCh38, 1-based): chr19:1,226,595, C>A. VCF-style: chr19-1226595-C-A. GRCh37 (hg19) VCF-style: chr19-1226594-C-A.
Other names: short protein forms A417D.
Identifiers: ClinVar variation 2817436 (VCV002817436.4), dbSNP rs1166243253, ClinGen allele CA402954021.